The following is an entry in ClinVar:

ClinVar aggregate classification (germline): Uncertain significance (1 of 4 stars; one submission).

Conditions:
Immunodeficiency 104. Also called: SCID, AUTOSOMAL RECESSIVE, T CELL-NEGATIVE, B CELL-POSITIVE, NK CELL-POSITIVE; Severe combined immunodeficiency, autosomal recessive, T cell-negative, B cell-positive, NK cell-positive; Severe Combined Immune Deficiency, Autosomal Recessive, TCell -Negative, B Cell-Positive, NK Cell-Positive, IL7R-Related; IMMUNODEFICIENCY 104, SEVERE COMBINED. Identifiers: MedGen C5676890, MONDO:0012163, OMIM 608971.
Hepatitis C virus, susceptibility to. Also called: HCV, SUSCEPTIBILITY TO. Identifiers: MedGen C1835407, MONDO:0012292, OMIM 609532.

Allele frequency attached by ClinVar (database versions not stated): TOPMed below 0.00001.

Submission:

Center for Genomics, Ann and Robert H. Lurie Children's Hospital of Chicago
Classification: Uncertain significance for Immunodeficiency 104; Hepatitis C virus, susceptibility to. Review status: criteria provided, single submitter. Criteria: ACMG Guidelines, 2015. Collection method: clinical testing. Allele origin: germline.
Comment: PTPRC NM_002838.4 exon 7 p.Leu198Ile (c.592C>A): This variant has not been reported in the literature and is not present in large control databases. Evolutionary conservation and computational predictive tools suggest that this variant may not impact the protein. In summary, data on this variant is insufficient for disease classification. Therefore, the clinical significance of this variant is uncertain.

NM_002838.5(PTPRC):c.592C>A (p.Leu198Ile)

Gene: PTPRC (protein tyrosine phosphatase receptor type C; plus strand). Cytogenetic location: 1q32.1.
Variant type: single nucleotide variant.
Coding change: c.592C>A on transcript NM_002838.5 (MANE Select); coding-DNA position 592, C replaced by A.
Protein change: p.Leu198Ile; replaces leucine 198 with isoleucine.
Molecular consequence: missense variant.
Genome position (GRCh38, 1-based): chr1:198,703,306, C>A. VCF-style: chr1-198703306-C-A. GRCh37 (hg19) VCF-style: chr1-198672435-C-A.
Other names: c.109C>A, p.Leu37Ile (NM_080921.4); short protein forms L198I, L37I.
Identifiers: ClinVar variation 1675115 (VCV001675115.2), dbSNP rs1666552982, ClinGen allele CA344097734.